The following is an entry in ClinVar:

ClinVar aggregate classification (germline): Likely pathogenic (1 of 4 stars; one submission).

Conditions:
Autosomal recessive osteopetrosis 7. Identifiers: Orphanet 178389, MedGen C2676766, MONDO:0012859, OMIM 612301.

Submission:

Kasturba Medical College, Manipal, Kasturba Medical College, Manipal, Manipal Academy of Higher Education, Manipal, India
Classification: Likely pathogenic for Autosomal recessive osteopetrosis 7. Review status: criteria provided, single submitter. Criteria: ACMG Guidelines, 2015. Collection method: research. Allele origin: maternal. Inheritance: Autosomal recessive inheritance. Affected: yes. Observed: 1 heterozygote.
Comment: Sanger validation and segregation analysis was carried out for these variants in proband and parents. The variant was absent in homozygous and heterozygous state in our in-house data of 4007 exomes as well as gnomAD database (v4.1.0). The stop gain variant, c.1075C>T p.(Gln359Ter) introduces a premature stop codon which may either trigger nonsense-mediated mRNA decay or result in a truncated protein product. The clinical findings observed in the proband are in concordance with osteopetrosis, autosomal recessive 7.

NM_003839.4(TNFRSF11A):c.1075C>T (p.Gln359Ter)

Gene: TNFRSF11A (TNF receptor superfamily member 11a; plus strand). Cytogenetic location: 18q21.33.
Variant type: single nucleotide variant.
Coding change: c.1075C>T on transcript NM_003839.4 (MANE Select); coding-DNA position 1075, C replaced by T.
Protein change: p.Gln359Ter; replaces glutamine 359 with a stop codon.
Molecular consequence: nonsense. On other transcripts: intron variant (3).
Genome position (GRCh38, 1-based): chr18:62,368,992, C>T. VCF-style: chr18-62368992-C-T. GRCh37 (hg19) VCF-style: chr18-60036225-C-T.
Other names: c.1033C>T, p.Gln345Ter (NM_001278268.2); c.783+2232C>T (NM_001270949.2); c.730+7199C>T (NM_001270950.2); c.616+8943C>T (NM_001270951.2); short protein forms Q345*, Q359*.
Identifiers: ClinVar variation 4812937 (VCV004812937.1).